The following is an entry in ClinVar:

NM_133638.6(ADAMTS19):c.178A>C (p.Ser60Arg)

Gene: ADAMTS19 (ADAM metallopeptidase with thrombospondin type 1 motif 19; plus strand). Cytogenetic location: 5q23.3.
Variant type: single nucleotide variant.
Coding change: c.178A>C on transcript NM_133638.6 (MANE Select); coding-DNA position 178, A replaced by C.
Protein change: p.Ser60Arg; replaces serine 60 with arginine.
Molecular consequence: missense variant.
Genome position (GRCh38, 1-based): chr5:129,461,188, A>C. VCF-style: chr5-129461188-A-C. GRCh37 (hg19) VCF-style: chr5-128796881-A-C.
Other names: short protein forms S60R.
Identifiers: ClinVar variation 4533568 (VCV004533568.6).

ClinVar aggregate classification (germline): Likely benign (1 of 4 stars; one submission).

gnomAD v4.1: 2,244 of 1,354,438 alleles (0.17%); highest among the groups gnomAD compares: Non-Finnish European, 0.2%; 4 homozygotes.

Submission:

CeGaT Center for Human Genetics Tuebingen
Classification: Likely benign. Last evaluated: 2026-06-01. Review status: criteria provided, single submitter. Criteria: CeGaT Center For Human Genetics Tuebingen Variant Classification Criteria Version 2. Collection method: clinical testing. Allele origin: germline. Affected: yes. Observed: 2 variant alleles.
Comment: ADAMTS19: BS2